The following is an entry in ClinVar:

NM_000195.5(HPS1):c.988-50G>A

Gene: HPS1 (HPS1 biogenesis of lysosomal organelles complex 3 subunit 1; minus strand). Cytogenetic location: 10q24.2.
Variant type: single nucleotide variant.
Coding change: c.988-50G>A on transcript NM_000195.5 (MANE Select); 50 bases into the intron before coding-DNA position 988, G replaced by A.
Molecular consequence: intron variant.
Genome position (GRCh38, 1-based): chr10:98,426,035, C>T on the plus strand (G>A on the coding strand, the complement: HPS1 is on the minus strand). VCF-style: chr10-98426035-C-T. GRCh37 (hg19) VCF-style: chr10-100185792-C-T.
Other names: p.?; c.628-50G>A (NM_001322482.2); c.727-50G>A (NM_001322481.2, NM_001322480.2); c.16-50G>A (NM_001322489.2, NM_001311345.2, NM_001322487.2); c.889-50G>A (NM_001322479.2, NM_001322478.2); c.988-50G>A (NM_001322477.2, NM_001322476.2); c.619-50G>A (NM_001322483.2, NM_001322484.2); c.520-50G>A (NM_001322485.2).
Identifiers: ClinVar variation 4683527 (VCV004683527.1).

ClinVar aggregate classification (germline): Likely benign (1 of 4 stars; one submission).

gnomAD v4.1: 951 of 1,531,052 alleles (0.062%); highest among the groups gnomAD compares: Middle Eastern, 0.31%; no homozygotes.

Submission:

Mayo Clinic Laboratories, Mayo Clinic
Classification: Likely benign. Last evaluated: 2024-02-05. Review status: criteria provided, single submitter. Criteria: ACMG Guidelines, 2015. Collection method: clinical testing. Allele origin: germline. Observed: 2 variant alleles.
Comment: BP4, BP7